The following is an entry in ClinVar:

NM_015238.3(WWC1):c.2805G>C (p.Gln935His)

Gene: WWC1 (WW and C2 domain containing 1; plus strand). Cytogenetic location: 5q34.
Variant type: single nucleotide variant.
Coding change: c.2805G>C on transcript NM_015238.3 (MANE Select); coding-DNA position 2805, G replaced by C.
Protein change: p.Gln935His; replaces glutamine 935 with histidine.
Molecular consequence: missense variant.
Genome position (GRCh38, 1-based): chr5:168,455,502, G>C. VCF-style: chr5-168455502-G-C. GRCh37 (hg19) VCF-style: chr5-167882507-G-C.
Other names: c.2805G>C, p.Gln935His (NM_001161661.2, NM_001161662.2); short protein forms Q935H.
Identifiers: ClinVar variation 3235872 (VCV003235872.1), dbSNP rs2533202340, ClinGen allele CA362084564.

ClinVar aggregate classification (germline): Uncertain significance (1 of 4 stars; one submission).

Submission:

Greenwood Genetic Center Diagnostic Laboratories, Greenwood Genetic Center
Classification: Uncertain significance. Last evaluated: 2024-01-31. Review status: criteria provided, single submitter. Criteria: ACMG Guidelines, 2015. Collection method: clinical testing. Allele origin: germline. Affected: yes.
Comment: Gene of Uncertain Significance